The following is an entry in ClinVar:

ClinVar aggregate classification (germline): Benign/Likely benign. Review status: criteria provided, multiple submitters, no conflicts (2 of 4 stars). 2 submissions from 2 submitters: Benign (1); Likely benign (1). Last evaluated 2024-11-18.

Submissions (2):

Blueprint Genetics
Classification: Likely benign. Last evaluated: 2024-11-18. Review status: criteria provided, single submitter. Criteria: ACMG Guidelines, 2015. Collection method: clinical testing. Allele origin: germline.

Mayo Clinic Laboratories, Mayo Clinic
Classification: Benign. Last evaluated: 2023-10-03. Review status: criteria provided, single submitter. Criteria: ACMG Guidelines, 2015. Collection method: clinical testing. Allele origin: germline. Observed: 2 variant alleles.
Comment: BA1, BS2, BP4

NM_024496.4(IRF2BPL):c.342_347del (p.Gln126_Gln127del)

Gene: IRF2BPL (interferon regulatory factor 2 binding protein like; minus strand). Cytogenetic location: 14q24.3.
Variant type: Deletion.
Coding change: c.342_347del on transcript NM_024496.4 (MANE Select); coding-DNA positions 342 to 347, 6 bases deleted (ACAGCA; older notation c.342_347delACAGCA).
Protein change: p.Gln126_Gln127del.
Molecular consequence: inframe deletion.
Genome position (GRCh38, 1-based): chr14:77,027,446-77,027,451, TGCTGT deleted on the plus strand (ACAGCA on the coding strand, the reverse complement: IRF2BPL is on the minus strand); deleting any 6 consecutive bases within chr14:77,027,446-77,027,456 gives the same sequence; the c. name uses the placement nearest the transcript's 3' end. VCF-style (leftmost placement, unchanged base first): chr14-77027445-CTGCTGT-C. GRCh37 (hg19) VCF-style: chr14-77493788-CTGCTGT-C.
Other names: p.Gln126_Gln127del.
Identifiers: ClinVar variation 4683907 (VCV004683907.2).